The following is an entry in ClinVar:

NM_001267550.2(TTN):c.40091dup (p.Glu13365fs)

Gene: TTN (titin; minus strand). Cytogenetic location: 2q31.2.
Variant type: Duplication.
Coding change: c.40091dup on transcript NM_001267550.2 (MANE Select); coding-DNA position 40091, one base duplicated (A; older notation c.40091dupA).
Protein change: p.Glu13365fs; shifts the reading frame from glutamic acid 13365.
Molecular consequence: frameshift variant. On other transcripts: intron variant (5).
Genome position (GRCh38, 1-based): chr2:178,647,431, T duplicated on the plus strand (A on the coding strand, the reverse complement: TTN is on the minus strand); the first of 4 consecutive T bases (chr2:178,647,431-178,647,434); duplicating any one gives the same sequence. VCF-style (leftmost placement, unchanged base first): chr2-178647430-C-CT. GRCh37 (hg19) VCF-style: chr2-179512157-C-CT.
Other names: c.13283-5114dup (NM_003319.4); c.13859-5114dup (NM_133437.4); c.13658-5114dup (NM_133432.3); c.32594-1401dup (NM_133378.4); c.35375-1401dup (NM_001256850.1); c.40091dupA (NM_001267550.1); short protein forms E13365fs.
Identifiers: ClinVar variation 3376879 (VCV003376879.1).
Genomic context (GRCh38, chr2:178,647,430, plus strand): 5'-AAGCCGTGTACCTTCAGCAGGTGGAACTTCTGGCTCTGCAGGGATAGGCACAGACACTTC[C>CT]TTTTCTGGGATGATTTTCTCAGGCACTTTGGGCACTTTAAAGATATGATTTTGTTTACTA-3'

ClinVar aggregate classification (germline): Pathogenic (1 of 4 stars; one submission).

Conditions:
Autosomal recessive titinopathy. Identifiers: MedGen CN315649, MONDO:0100493.

Submission:

Victorian Clinical Genetics Services, Murdoch Childrens Research Institute
Classification: Pathogenic for Autosomal recessive titinopathy. Last evaluated: 2024-09-20. Review status: criteria provided, single submitter. Criteria: ACMG Guidelines, 2015. Collection method: clinical testing. Allele origin: germline. Inheritance: Autosomal recessive inheritance. Affected: yes.
Comment: Based on the classification scheme VCGS_Germline_v1.3.4, this variant is classified as Pathogenic. Following criteria are met: 0102 - Loss of function is known mechanism of disease in this gene. In addition, dominant-negative is also a suggested mechanism. (PMID: 25589632). (I) 0108 - This gene is associated with both recessive and dominant disease (OMIM). (I) 0112 - The condition associated with this gene has incomplete penetrance. Variants in this gene that result in a premature termination codon (PTC) are known to have reduced penetrance in DCM (PMID: 25589632). (I) 0201 - Variant is predicted to cause nonsense-mediated decay (NMD) and loss of protein (premature termination codon is located at least 54 nucleotides upstream of the final exon-exon junction). (SP) 0219 - This variant is non-coding in an alternative transcript. This variant is only coding in the meta-transcript (NM_001267550.1), and not in the cardiac (NM_003319.4) or skeletal muscle (NM_133378.4) transcripts. However recent literature has shown an association between variants only coding in the meta-transcript and autosomal recessive congenital titinopathy (PMID: 32778822). (I) 0251 - This variant is heterozygous. (I) 0301 - Variant is absent from gnomAD (both v2 and v3). (SP) 0701 - Other NMD-predicted variants comparable to the one identified in this case have very strong previous evidence for pathogenicity. At least ten other NMD-predicted variants in exons that are only coding in the meta-transcript have been reported as compound heterozygous or homozygous in over ten families with TTN-related congenital onset myopathy (ClinVar, PMID: 32778822, 29575618). (SP) 0807 - This variant has no previous evidence of pathogenicity. (I) 0905 - No published segregation evidence has been identified for this variant. (I) 1007 - No published functional evidence has been identified for this variant. (I) Legend: (SP) - Supporting pathogenic, (I) - Information, (SB) - Supporting benign

Literature cited by the submitters: PubMed 25589632; PubMed 29575618; PubMed 32778822.